The following is an entry in ClinVar:

NM_173500.4(TTBK2):c.3098G>C (p.Ser1033Thr)

Gene: TTBK2 (tau tubulin kinase 2; minus strand). Cytogenetic location: 15q15.2.
Variant type: single nucleotide variant.
Coding change: c.3098G>C on transcript NM_173500.4 (MANE Select); coding-DNA position 3098, G replaced by C.
Protein change: p.Ser1033Thr; replaces serine 1033 with threonine.
Molecular consequence: missense variant.
Genome position (GRCh38, 1-based): chr15:42,752,148, C>G on the plus strand (G>C on the coding strand, the complement: TTBK2 is on the minus strand). VCF-style: chr15-42752148-C-G. GRCh37 (hg19) VCF-style: chr15-43044346-C-G.
Other names: short protein forms S1033T.
Identifiers: ClinVar variation 2918103 (VCV002918103.3), dbSNP rs1179981266, ClinGen allele CA392071048.

ClinVar aggregate classification (germline): Uncertain significance (1 of 4 stars; one submission).

gnomAD v4.1: 2 of 1,614,192 alleles (0.00012%); highest among the groups gnomAD compares: South Asian, 0.0022%; no homozygotes.

Submission:

Labcorp Genetics (formerly Invitae), Labcorp
Classification: Uncertain significance. Last evaluated: 2023-01-28. Review status: criteria provided, single submitter. Criteria: Invitae Variant Classification Sherloc (09022015). Collection method: clinical testing. Allele origin: germline.
Comment: This variant is present in population databases (no rsID available, gnomAD 0.003%). In summary, the available evidence is currently insufficient to determine the role of this variant in disease. Therefore, it has been classified as a Variant of Uncertain Significance. Algorithms developed to predict the effect of missense changes on protein structure and function (SIFT, PolyPhen-2, Align-GVGD) all suggest that this variant is likely to be tolerated. This variant has not been reported in the literature in individuals affected with TTBK2-related conditions. This sequence change replaces serine, which is neutral and polar, with threonine, which is neutral and polar, at codon 1033 of the TTBK2 protein (p.Ser1033Thr).